The following is an entry in ClinVar:

NM_020949.3(SLC7A14):c.32G>A (p.Arg11Gln)

Genes: SLC7A14 (solute carrier family 7 member 14; minus strand), SLC7A14-AS1 (SLC7A14 antisense RNA 1; plus strand). Cytogenetic location: 3q26.2.
Variant type: single nucleotide variant.
Coding change: c.32G>A on transcript NM_020949.3 (MANE Select); coding-DNA position 32, G replaced by A.
Protein change: p.Arg11Gln; replaces arginine 11 with glutamine.
Molecular consequence: missense variant.
Genome position (GRCh38, 1-based): chr3:170,526,905, C>T on the plus strand (G>A on the coding strand, the complement: SLC7A14 is on the minus strand). VCF-style: chr3-170526905-C-T. GRCh37 (hg19) VCF-style: chr3-170244694-C-T.
Other names: short protein forms R11Q.
Identifiers: ClinVar variation 2999276 (VCV002999276.3), dbSNP rs1437368700, ClinGen allele CA355520369.

ClinVar aggregate classification (germline): Uncertain significance (1 of 4 stars; one submission).

Submission:

Labcorp Genetics (formerly Invitae), Labcorp
Classification: Uncertain significance. Last evaluated: 2023-05-16. Review status: criteria provided, single submitter. Criteria: Invitae Variant Classification Sherloc (09022015). Collection method: clinical testing. Allele origin: germline.
Comment: In summary, the available evidence is currently insufficient to determine the role of this variant in disease. Therefore, it has been classified as a Variant of Uncertain Significance. An algorithm developed to predict the effect of missense changes on protein structure and function (PolyPhen-2) suggests that this variant is likely to be disruptive. This variant has not been reported in the literature in individuals affected with SLC7A14-related conditions. This variant is not present in population databases (gnomAD no frequency). This sequence change replaces arginine, which is basic and polar, with glutamine, which is neutral and polar, at codon 11 of the SLC7A14 protein (p.Arg11Gln).